The following is an entry in ClinVar:

ClinVar aggregate classification (germline): Uncertain significance (1 of 4 stars; one submission).

Conditions:
Microphthalmia, syndromic 12 (MCOPS12). Also called: MICROPHTHALMIA WITH OR WITHOUT PULMONARY HYPOPLASIA, DIAPHRAGMATIC HERNIA, AND/OR CARDIAC DEFECTS. Identifiers: Orphanet 2470, Orphanet 689829, MedGen C3809803, MONDO:0014229, OMIM 615524.

Submission:

Clinical Genomics Laboratory, Washington University in St. Louis
Classification: Uncertain significance for Microphthalmia, syndromic 12. Last evaluated: 2025-07-03. Review status: criteria provided, single submitter. Criteria: ACMG Guidelines, 2015. Collection method: clinical testing. Allele origin: germline.
Comment: The RARB c.719C>T (p.Pro240Leu) variant, to our knowledge, has not been reported in the medical literature. This variant is absent from the general population (gnomAD v.4.1.0), indicating it is not a common variant. Computational predictors indicate that the variant is damaging, evidence that correlates with impact to RARB function. Due to limited information, and based on ACMG/AMP guidelines for variant interpretation (Richards S et al., PMID: 25741868), the clinical significance of this variant is uncertain at this time.

NM_000965.5(RARB):c.719C>T (p.Pro240Leu)

Gene: RARB (retinoic acid receptor beta; plus strand). Cytogenetic location: 3p24.2.
Variant type: single nucleotide variant.
Coding change: c.719C>T on transcript NM_000965.5 (MANE Select); coding-DNA position 719, C replaced by T.
Protein change: p.Pro240Leu; replaces proline 240 with leucine.
Molecular consequence: missense variant. On other transcripts: non-coding transcript variant (2).
Genome position (GRCh38, 1-based): chr3:25,580,655, C>T. VCF-style: chr3-25580655-C-T. GRCh37 (hg19) VCF-style: chr3-25622146-C-T.
Other names: c.740C>T, p.Pro247Leu (NM_001290216.3); c.383C>T, p.Pro128Leu (NM_001290217.2, NM_001290276.2, NM_016152.4); c.572C>T, p.Pro191Leu (NM_001290266.2); c.719C>T, p.Pro240Leu (NM_001290277.1); c.590C>T, p.Pro197Leu (NM_001290300.2); short protein forms P128L, P191L, P197L, P240L, P247L.
Identifiers: ClinVar variation 4279864 (VCV004279864.1).